The following is an entry in ClinVar:

NM_006852.6(TLK2):c.1624G>T (p.Glu542Ter)

Gene: TLK2 (tousled like kinase 2; plus strand). Cytogenetic location: 17q23.2.
Variant type: single nucleotide variant.
Coding change: c.1624G>T on transcript NM_006852.6 (MANE Select); coding-DNA position 1624, G replaced by T.
Protein change: p.Glu542Ter; replaces glutamic acid 542 with a stop codon.
Molecular consequence: nonsense.
Genome position (GRCh38, 1-based): chr17:62,600,724, G>T. VCF-style: chr17-62600724-G-T. GRCh37 (hg19) VCF-style: chr17-60678085-G-T.
Other names: c.1624G>T, p.Glu542Ter (NM_001375271.1, NM_001375270.1); c.1528G>T, p.Glu510Ter (NM_001375272.1, NM_001284363.1); c.1177G>T, p.Glu393Ter (NM_001375273.1, NM_001330418.3); c.1339G>T, p.Glu447Ter (NM_001411074.1); c.1690G>T, p.Glu564Ter (NM_001284333.3); c.1666G>T, p.Glu556Ter (NM_001375269.1); short protein forms E393*, E447*, E510*, E542*, E556*, E564*.
Identifiers: ClinVar variation 3775572 (VCV003775572.1).

ClinVar aggregate classification (germline): Likely pathogenic (1 of 4 stars; one submission).

Conditions:
Intellectual developmental disorder, autosomal dominant 57. Also called: MENTAL RETARDATION, AUTOSOMAL DOMINANT 57; Intellectual disability, autosomal dominant 57. Identifiers: MedGen C4748003, MONDO:0054837, OMIM 618050.

Submission:

3billion
Classification: Likely pathogenic for Intellectual developmental disorder, autosomal dominant 57. Last evaluated: 2023-09-06. Review status: criteria provided, single submitter. Criteria: ACMG Guidelines, 2015. Collection method: clinical testing. Allele origin: germline. Affected: yes.
Comment: The variant is not observed in the gnomAD v2.1.1 dataset. Predicted Consequence/Location: Stop-gained (nonsense): predicted to result in a loss or disruption of normal protein function through nonsense-mediated decay (NMD) or protein truncation. Multiple pathogenic variants are reported downstream of the variant. Therefore, this variant is classified as Likely pathogenic according to the recommendation of ACMG/AMP guideline.